The following is an entry in ClinVar:

NM_002497.4(NEK2):c.638+1G>A

Gene: NEK2 (NIMA related kinase 2; minus strand). Cytogenetic location: 1q32.3.
Variant type: single nucleotide variant.
Coding change: c.638+1G>A on transcript NM_002497.4 (MANE Select); the canonical splice donor site of the intron after coding-DNA position 638, G replaced by A.
Molecular consequence: splice donor variant.
Genome position (GRCh38, 1-based): chr1:211,671,201, C>T on the plus strand (G>A on the coding strand, the complement: NEK2 is on the minus strand). VCF-style: chr1-211671201-C-T. GRCh37 (hg19) VCF-style: chr1-211844543-C-T.
Other names: c.638+1G>A (NM_001204182.2, NM_001204183.2).
Identifiers: ClinVar variation 2059304 (VCV002059304.4), dbSNP rs1655376399, ClinGen allele CA344780654.

ClinVar aggregate classification (germline): Uncertain significance (1 of 4 stars; one submission).

Allele frequency attached by ClinVar (database versions not stated): gnomAD exomes below 0.00001; gnomAD 0.00001; TOPMed 0.00001.
gnomAD v4.1: 2 of 1,607,038 alleles (0.00012%); highest among the groups gnomAD compares: African/African-American, 0.0027%; no homozygotes.

Submission:

Labcorp Genetics (formerly Invitae), Labcorp
Classification: Uncertain significance. Last evaluated: 2022-07-26. Review status: criteria provided, single submitter. Criteria: Invitae Variant Classification Sherloc (09022015). Collection method: clinical testing. Allele origin: germline.
Comment: This sequence change affects a donor splice site in intron 4 of the NEK2 gene. It is expected to disrupt RNA splicing. Variants that disrupt the donor or acceptor splice site typically lead to a loss of protein function (PMID: 16199547), however the current clinical and genetic evidence is not sufficient to establish whether loss-of-function variants in NEK2 cause disease. This variant is not present in population databases (gnomAD no frequency). In summary, the available evidence is currently insufficient to determine the role of this variant in disease. Therefore, it has been classified as a Variant of Uncertain Significance. Algorithms developed to predict the effect of sequence changes on RNA splicing suggest that this variant may disrupt the consensus splice site. This variant has not been reported in the literature in individuals affected with NEK2-related conditions.

Literature cited by the submitters: PubMed 16199547.